The following is an entry in ClinVar:

NM_000179.3(MSH6):c.3556+3_3556+6del

Gene: MSH6 (mutS homolog 6; plus strand). Cytogenetic location: 2p16.3.
Variant type: Deletion.
Coding change: c.3556+3_3556+6del on transcript NM_000179.3 (MANE Select); bases 3 to 6 of the intron after coding-DNA position 3556, 4 bases deleted (GAGT; older notation c.3556+3_3556+6delGAGT).
Molecular consequence: splice donor variant.
Genome position (GRCh38, 1-based): chr2:47,805,030-47,805,033, GAGT deleted; deleting any 4 consecutive bases within chr2:47,805,028-47,805,033 gives the same sequence; the c. name uses the placement nearest the transcript's 3' end. VCF-style (leftmost placement, unchanged base first): chr2-47805027-GGTGA-G. GRCh37 (hg19) VCF-style: chr2-48032166-GGTGA-G.
Other names: c.2650+3_2650+6del (NM_001281493.2, NM_001281494.2); c.3166+3_3166+6del (NM_001281492.2).
Identifiers: ClinVar variation 1732629 (VCV001732629.2), dbSNP rs1572739077, ClinGen allele CA2580067205.

ClinVar aggregate classification (germline): Likely pathogenic (1 of 4 stars; one submission).

Conditions:
Hereditary cancer-predisposing syndrome. Also called: Neoplastic Syndromes, Hereditary; Tumor predisposition; Hereditary Cancer Syndrome; Hereditary neoplastic syndrome. Identifiers: Orphanet 140162, MedGen C0027672, MeSH D009386, MONDO:0015356.

Submission:

Ambry Genetics
Classification: Likely pathogenic for Hereditary cancer-predisposing syndrome. Last evaluated: 2021-02-17. Review status: criteria provided, single submitter. Criteria: Ambry Variant Classification Scheme 2023. Collection method: clinical testing. Allele origin: germline.
Comment: The c.3556+3_3556+6delGAGT intronic variant results from a deletion of 4 nucleotides within intron 6 of the MSH6 gene. In silico splice site analysis predicts that this alteration will weaken the native splice donor site. Another alteration impacting the same donor site (c.3556+4_3556+8delAGTTT) has been described and results in abnormal splicing in the set of samples tested (Ambry internal data). This variant was not reported in population-based cohorts in the Genome Aggregation Database (gnomAD). This nucleotide region is well conserved in available vertebrate species. Based on the majority of available evidence to date, this variant is likely to be pathogenic.